The following is an entry in ClinVar:

ClinVar aggregate classification (germline): Pathogenic (1 of 4 stars; one submission).

Conditions:
Neurofibromatosis, type 1 (NF1). Also called: Neurofibromatosis, type I; Peripheral type neurofibromatosis; VON RECKLINGHAUSEN DISEASE; NEUROFIBROMATOSIS, TYPE I, SOMATIC. Identifiers: Orphanet 636, MedGen C0027831, MONDO:0018975, OMIM 162200. Disease mechanism: loss of function.

Submission:

Labcorp Genetics (formerly Invitae), Labcorp
Classification: Pathogenic for Neurofibromatosis, type 1. Last evaluated: 2019-10-09. Review status: criteria provided, single submitter. Criteria: Invitae Variant Classification Sherloc (09022015). Collection method: clinical testing. Allele origin: germline.
Comment: This sequence change creates a premature translational stop signal (p.Ala1148Glufs*10) in the NF1 gene. It is expected to result in an absent or disrupted protein product. This variant is not present in population databases (ExAC no frequency). This variant has not been reported in the literature in individuals with NF1-related conditions. Loss-of-function variants in NF1 are known to be pathogenic (PMID: 10712197, 23913538). For these reasons, this variant has been classified as Pathogenic.

Literature cited by the submitters: PubMed 10712197; PubMed 23913538.

NM_001042492.3(NF1):c.3443del (p.Ala1148fs)

Gene: NF1 (neurofibromin 1; plus strand). Cytogenetic location: 17q11.2.
Variant type: Deletion.
Coding change: c.3443del on transcript NM_001042492.3 (MANE Select); coding-DNA position 3443, one base deleted (C; older notation c.3443delC).
Protein change: p.Ala1148fs; shifts the reading frame from alanine 1148.
Molecular consequence: frameshift variant.
Genome position (GRCh38, 1-based): chr17:31,232,828, C deleted. VCF-style (leftmost placement, unchanged base first): chr17-31232827-GC-G. GRCh37 (hg19) VCF-style: chr17-29559845-GC-G.
Other names: c.3443delC, p.Ala1148Glufs (NM_000267.4); short protein forms A1148fs.
Identifiers: ClinVar variation 968352 (VCV000968352.6), dbSNP rs2067137324, ClinGen allele CA1139665336.